The following is an entry in ClinVar:

NM_015465.5(GEMIN5):c.3146C>G (p.Ala1049Gly)

Gene: GEMIN5 (gem nuclear organelle associated protein 5; minus strand). Cytogenetic location: 5q33.2.
Variant type: single nucleotide variant.
Coding change: c.3146C>G on transcript NM_015465.5 (MANE Select); coding-DNA position 3146, C replaced by G.
Protein change: p.Ala1049Gly; replaces alanine 1049 with glycine.
Molecular consequence: missense variant.
Genome position (GRCh38, 1-based): chr5:154,898,639, G>C on the plus strand (C>G on the coding strand, the complement: GEMIN5 is on the minus strand). VCF-style: chr5-154898639-G-C. GRCh37 (hg19) VCF-style: chr5-154278199-G-C.
Other names: c.3143C>G, p.Ala1048Gly (NM_001252156.2); short protein forms A1048G, A1049G.
Identifiers: ClinVar variation 2664207 (VCV002664207.1), dbSNP rs943672740, ClinGen allele CA130122029.

ClinVar aggregate classification (germline): Uncertain significance (1 of 4 stars; one submission).

Conditions:
Neurodevelopmental disorder with cerebellar atrophy and motor dysfunction. Identifiers: MedGen C5543427, MONDO:0859152, OMIM 619333.

Allele frequency attached by ClinVar (database versions not stated): gnomAD exomes below 0.00001; gnomAD 0.00001.
gnomAD v4.1: 7 of 1,609,388 alleles (0.00043%); highest among the groups gnomAD compares: South Asian, 0.0066%; no homozygotes.

Submission:

Neuberg Centre For Genomic Medicine, NCGM
Classification: Uncertain significance for Neurodevelopmental disorder with cerebellar atrophy and motor dysfunction. Review status: criteria provided, single submitter. Criteria: ACMG Guidelines, 2015. Collection method: clinical testing. Allele origin: germline. Inheritance: Autosomal recessive inheritance. Affected: yes.
Comment: The missense c.3146C>G(p.Ala1049Gly) variant in GEMIN5 gene has not been reported previously as a pathogenic variant nor as abenign variant, to our knowledge. The variant is reported with an allele frequency of 0.001% in the gnomAD exomes database and isnovel (not in any individuals) in 1000 Genomes database. This variant has not been reported to the ClinVar database. The aminoacid change p.Ala1049Gly in GEMIN5 is predicted as conserved by GERP++ and PhyloP across 100 vertebrates.